The following is an entry in ClinVar:

ClinVar aggregate classification (germline): Pathogenic. Review status: criteria provided, multiple submitters, no conflicts (2 of 4 stars). 4 submissions from 4 submitters: Pathogenic (4). Last evaluated 2024-09-16.

Conditions:
Hereditary cancer-predisposing syndrome. Also called: Tumor predisposition; Neoplastic Syndromes, Hereditary; Hereditary Cancer Syndrome; Hereditary neoplastic syndrome. Identifiers: Orphanet 140162, MedGen C0027672, MeSH D009386, MONDO:0015356.
Cardiovascular phenotype. Identifiers: MedGen CN230736.
Neurofibromatosis, type 1 (NF1). Also called: Neurofibromatosis, type I; NEUROFIBROMATOSIS, TYPE I, SOMATIC; Peripheral type neurofibromatosis; VON RECKLINGHAUSEN DISEASE. Identifiers: Orphanet 636, MedGen C0027831, MONDO:0018975, OMIM 162200. Disease mechanism: loss of function.

Submissions (4):

Labcorp Genetics (formerly Invitae), Labcorp
Classification: Pathogenic for Neurofibromatosis, type 1. Last evaluated: 2024-09-16. Review status: criteria provided, single submitter. Criteria: Invitae Variant Classification Sherloc (09022015). Collection method: clinical testing. Allele origin: germline.
Comment: This sequence change creates a premature translational stop signal (p.Gln576*) in the NF1 gene. It is expected to result in an absent or disrupted protein product. Loss-of-function variants in NF1 are known to be pathogenic (PMID: 10712197, 23913538). This variant is not present in population databases (gnomAD no frequency). This premature translational stop signal has been observed in individual(s) with clinical features of neurofibromatosis type 1 (PMID: 25325900). ClinVar contains an entry for this variant (Variation ID: 404467). RNA analysis performed to evaluate the impact of this premature translational stop signal on mRNA splicing indicates it does not significantly alter splicing (internal data). For these reasons, this variant has been classified as Pathogenic.

Ambry Genetics
Classification: Pathogenic for Cardiovascular phenotype; Hereditary cancer-predisposing syndrome. Last evaluated: 2023-05-09. Review status: criteria provided, single submitter. Criteria: Ambry Variant Classification Scheme 2023. Collection method: clinical testing. Allele origin: germline.
Comment: The p.Q576* pathogenic mutation (also known as c.1726C>T), located in coding exon 16 of the NF1 gene, results from a C to T substitution at nucleotide position 1726. This changes the amino acid from a glutamine to a stop codon within coding exon 16. This alteration has been observed in individuals meeting the NIH diagnostic criteria for neurofibromatosis type1 (Maruoka R et al. Genet Test Mol Biomarkers, 2014 Nov;18:722-35; G&uuml;ne N et al. Ann Hum Genet, 2021 Sep;85:155-165). This variant is considered to be rare based on population cohorts in the Genome Aggregation Database (gnomAD). In addition to the clinical data presented in the literature, this alteration is expected to result in loss of function by premature protein truncation or nonsense-mediated mRNA decay. As such, this alteration is interpreted as a disease-causing mutation.

Genome-Nilou Lab
Classification: Pathogenic for Neurofibromatosis, type 1. Last evaluated: 2022-03-15. Review status: criteria provided, single submitter. Criteria: ACMG Guidelines, 2015. Collection method: clinical testing. Allele origin: germline. Affected: no.

GeneDx
Classification: Pathogenic. Last evaluated: 2021-09-30. Review status: criteria provided, single submitter. Criteria: GeneDx Variant Classification Process June 2021. Collection method: clinical testing. Allele origin: germline. Affected: yes.
Comment: Nonsense variant predicted to result in protein truncation or nonsense mediated decay in a gene for which loss-of-function is a known mechanism of disease; Not observed at significant frequency in large population cohorts (Lek 2016); This variant is associated with the following publications: (PMID: 25325900)

Literature cited by the submitters: PubMed 10712197 (cited by Labcorp Genetics (formerly Invitae), Labcorp); PubMed 23913538 (cited by Labcorp Genetics (formerly Invitae), Labcorp); PubMed 25325900 (cited by Labcorp Genetics (formerly Invitae), Labcorp).

NM_001042492.3(NF1):c.1726C>T (p.Gln576Ter)

Gene: NF1 (neurofibromin 1; plus strand). Cytogenetic location: 17q11.2.
Variant type: single nucleotide variant.
Coding change: c.1726C>T on transcript NM_001042492.3 (MANE Select); coding-DNA position 1726, C replaced by T.
Protein change: p.Gln576Ter; replaces glutamine 576 with a stop codon.
Molecular consequence: nonsense.
Genome position (GRCh38, 1-based): chr17:31,223,448, C>T. VCF-style: chr17-31223448-C-T. GRCh37 (hg19) VCF-style: chr17-29550466-C-T.
Other names: c.1726C>T, p.Gln576Ter (NM_000267.4); short protein forms Q576*.
Identifiers: ClinVar variation 404467 (VCV000404467.12), dbSNP rs1060500278, ClinGen allele CA16615167.